The following is an entry in ClinVar:

ClinVar aggregate classification (germline): Likely benign (1 of 4 stars; one submission).

gnomAD v4.1: 148 of 1,614,124 alleles (0.0092%); highest among the groups gnomAD compares: African/African-American, 0.088%; no homozygotes.

Submission:

CeGaT Center for Human Genetics Tuebingen
Classification: Likely benign. Last evaluated: 2025-03-01. Review status: criteria provided, single submitter. Criteria: CeGaT Center For Human Genetics Tuebingen Variant Classification Criteria Version 2. Collection method: clinical testing. Allele origin: germline. Affected: yes. Observed: 2 variant alleles.
Comment: LTBP1: BP4, BP7

NM_206943.4(LTBP1):c.4740C>T (p.Pro1580=)

Gene: LTBP1 (latent transforming growth factor beta binding protein 1; plus strand). Cytogenetic location: 2p22.3.
Variant type: single nucleotide variant.
Coding change: c.4740C>T on transcript NM_206943.4 (MANE Select); coding-DNA position 4740, C replaced by T.
Protein change: p.Pro1580=; no amino-acid change (proline 1580 retained).
Molecular consequence: synonymous variant.
Genome position (GRCh38, 1-based): chr2:33,389,212, C>T. VCF-style: chr2-33389212-C-T. GRCh37 (hg19) VCF-style: chr2-33614279-C-T.
Other names: c.3762C>T, p.Pro1254= (NM_000627.4); c.3636C>T, p.Pro1212= (NM_001166264.2, NM_001394909.1); c.3603C>T, p.Pro1201= (NM_001166265.2); c.3477C>T, p.Pro1159= (NM_001166266.2, NM_001394920.1); c.4581C>T, p.Pro1527= (NM_001394905.1); c.3759C>T, p.Pro1253= (NM_001394906.1); c.3675C>T, p.Pro1225= (NM_001394907.1); c.3642C>T, p.Pro1214= (NM_001394908.1); and 13 more.
Identifiers: ClinVar variation 3771439 (VCV003771439.13).